The following is an entry in ClinVar:

ClinVar aggregate classification (germline): Pathogenic/Likely pathogenic. Review status: criteria provided, multiple submitters, no conflicts (2 of 4 stars). 2 submissions from 2 submitters: Pathogenic (1); Likely pathogenic (1). Last evaluated 2025-08-11.

Conditions:
Legius syndrome. Identifiers: Orphanet 137605, MedGen C1969623, MONDO:0012669, OMIM 611431. Disease mechanism: loss of function.
Neurofibromatosis, type 1 (NF1). Also called: NEUROFIBROMATOSIS, TYPE I, SOMATIC; Peripheral type neurofibromatosis; Neurofibromatosis, type I; VON RECKLINGHAUSEN DISEASE. Identifiers: Orphanet 636, MedGen C0027831, MONDO:0018975, OMIM 162200. Disease mechanism: loss of function.

Allele frequency attached by ClinVar (database versions not stated): gnomAD exomes below 0.00001; ExAC 0.00001; gnomAD 0.00001.
gnomAD v4.1: 2 of 1,613,760 alleles (0.00012%); highest among the groups gnomAD compares: Admixed American, 0.0017%; no homozygotes.

Submissions (2):

Labcorp Genetics (formerly Invitae), Labcorp
Classification: Pathogenic for Legius syndrome. Last evaluated: 2025-08-11. Review status: criteria provided, single submitter. Criteria: Invitae Variant Classification Sherloc (09022015). Collection method: clinical testing. Allele origin: germline.
Comment: This sequence change replaces threonine, which is neutral and polar, with methionine, which is neutral and non-polar, at codon 102 of the SPRED1 protein (p.Thr102Met). This variant is present in population databases (rs754706111, gnomAD 0.0009%). This missense change has been observed in individual(s) with Legius syndrome (internal data). It has also been observed to segregate with disease in related individuals. Invitae Evidence Modeling of clinical and family history, age, sex, and reported ancestry of multiple individuals with this SPRED1 variant has been performed. This variant is expected to be pathogenic with a positive predictive value of at least 99%. This is a validated machine learning model that incorporates the clinical features of 198,265 individuals referred to our laboratory for SPRED1 testing. ClinVar contains an entry for this variant (Variation ID: 1407466). Invitae Evidence Modeling of protein sequence and biophysical properties (such as structural, functional, and spatial information, amino acid conservation, physicochemical variation, residue mobility, and thermodynamic stability) indicates that this missense variant is expected to disrupt SPRED1 protein function with a positive predictive value of 80%. Experimental studies have shown that this missense change affects SPRED1 function (PMID: 26635368). This variant disrupts the p.Thr102 amino acid residue in SPRED1. Other variant(s) that disrupt this residue have been determined to be pathogenic (PMID: 19920235, 21089071, 22751498, 31401120; internal data). This suggests that this residue is clinically significant, and that variants that disrupt this residue are likely to be disease-causing. For these reasons, this variant has been classified as Pathogenic.

NHS Central & South Genomic Laboratory Hub
Classification: Likely pathogenic for Neurofibromatosis type 1. Last evaluated: 2024-11-11. Review status: criteria provided, single submitter. Criteria: ACMG Guidelines, 2015. Collection method: clinical testing. Allele origin: germline. Affected: yes.

Literature cited by the submitters: PubMed 26635368 (cited by Labcorp Genetics (formerly Invitae), Labcorp); PubMed 19920235 (cited by Labcorp Genetics (formerly Invitae), Labcorp); PubMed 21089071 (cited by Labcorp Genetics (formerly Invitae), Labcorp); PubMed 22751498 (cited by Labcorp Genetics (formerly Invitae), Labcorp); PubMed 31401120 (cited by Labcorp Genetics (formerly Invitae), Labcorp).

NM_152594.3(SPRED1):c.305C>T (p.Thr102Met)

Gene: SPRED1 (sprouty related EVH1 domain containing 1; plus strand). Cytogenetic location: 15q14.
Variant type: single nucleotide variant.
Coding change: c.305C>T on transcript NM_152594.3 (MANE Select); coding-DNA position 305, C replaced by T.
Protein change: p.Thr102Met; replaces threonine 102 with methionine.
Molecular consequence: missense variant.
Genome position (GRCh38, 1-based): chr15:38,322,338, C>T. VCF-style: chr15-38322338-C-T. GRCh37 (hg19) VCF-style: chr15-38614539-C-T.
Other names: short protein forms T102M.
Identifiers: ClinVar variation 1407466 (VCV001407466.7), dbSNP rs754706111, ClinGen allele CA7470035.